The following is an entry in ClinVar:

ClinVar aggregate classification (germline): Likely benign. Review status: criteria provided, single submitter (1 of 4 stars). 2 submissions from 2 submitters: Likely benign (1). 1 of the submissions does not count toward it. Last evaluated 2024-02-17.

Conditions:
DYSF-related disorder. Also called: DYSF-related disorders; DYSF-related condition.
Neuromuscular disease caused by qualitative or quantitative defects of dysferlin. Also called: Qualitative or quantitative defects of dysferlin; Dysferlinopathy. Identifiers: Orphanet 207073, MedGen C2931687, MONDO:0016145.

Allele frequency attached by ClinVar (database versions not stated): ExAC 0.00001; gnomAD exomes 0.00001 and 0.00003.
gnomAD v4.1: 12 of 1,611,438 alleles (0.00074%); highest among the groups gnomAD compares: South Asian, 0.012%; no homozygotes.

Submissions (2):

Labcorp Genetics (formerly Invitae), Labcorp
Classification: Likely benign for Neuromuscular disease caused by qualitative or quantitative defects of dysferlin. Last evaluated: 2024-02-17. Review status: criteria provided, single submitter. Criteria: Invitae Variant Classification Sherloc (09022015). Collection method: clinical testing. Allele origin: germline.

PreventionGenetics, part of Exact Sciences
Classification: Likely benign for DYSF-related condition. Last evaluated: 2021-08-04. Review status: no assertion criteria provided. Collection method: clinical testing. Allele origin: germline. Not counted in ClinVar's aggregate classification.
Comment: This variant is classified as likely benign based on ACMG/AMP sequence variant interpretation guidelines (Richards et al. 2015 PMID: 25741868, with internal and published modifications).

NM_001130987.2(DYSF):c.4388-8C>T

Gene: DYSF (dysferlin; plus strand). Cytogenetic location: 2p13.2.
Variant type: single nucleotide variant.
Coding change: c.4388-8C>T on transcript NM_001130987.2 (MANE Select); 8 bases into the intron before coding-DNA position 4388, C replaced by T.
Molecular consequence: intron variant.
Genome position (GRCh38, 1-based): chr2:71,613,326, C>T. VCF-style: chr2-71613326-C-T. GRCh37 (hg19) VCF-style: chr2-71840456-C-T.
Other names: c.4427-8C>T (NM_001130979.2); c.4385-8C>T (NM_001130981.2, NM_001130980.2); c.4334-8C>T (NM_001130978.2, NM_003494.4); c.4292-8C>T (NM_001130977.2, NM_001130976.2); c.4430-8C>T (NM_001130982.2); c.4388-8C>T (NM_001130985.2); c.4337-8C>T (NM_001130983.2, NM_001130455.2); c.4295-8C>T (NM_001130984.2, NM_001130986.2).
Identifiers: ClinVar variation 743178 (VCV000743178.11), dbSNP rs746630105, ClinGen allele CA1706996.